The following is an entry in ClinVar:

ClinVar aggregate classification (germline): Uncertain significance (1 of 4 stars; one submission).

Conditions:
Adams-Oliver syndrome 5 (AOS5). Identifiers: Orphanet 974, MedGen C4014970, MONDO:0014459, OMIM 616028.

Submission:

Labcorp Genetics (formerly Invitae), Labcorp
Classification: Uncertain significance for Adams-Oliver syndrome 5. Last evaluated: 2025-12-31. Review status: criteria provided, single submitter. Criteria: Invitae Variant Classification Sherloc (09022015). Collection method: clinical testing. Allele origin: germline.
Comment: This sequence change replaces cysteine, which is neutral and slightly polar, with phenylalanine, which is neutral and non-polar, at codon 725 of the NOTCH1 protein (p.Cys725Phe). Information on the frequency of this variant in the gnomAD database is not available, as this variant may be reported differently in the database. This missense change has been observed in individual(s) with NOTCH1-related conditions (internal data). An algorithm developed to predict the effect of missense changes on protein structure and function (PolyPhen-2) suggests that this variant is likely to be disruptive. In summary, the available evidence is currently insufficient to determine the role of this variant in disease. Therefore, it has been classified as a Variant of Uncertain Significance.

NM_017617.5(NOTCH1):c.2174_2175delinsTT (p.Cys725Phe)

Gene: NOTCH1 (notch receptor 1; minus strand). Cytogenetic location: 9q34.3.
Variant type: Indel.
Coding change: c.2174_2175delinsTT on transcript NM_017617.5 (MANE Select); coding-DNA positions 2174 to 2175, GC replaced by TT.
Protein change: p.Cys725Phe; replaces cysteine 725 with phenylalanine.
Molecular consequence: missense variant.
Genome position (GRCh38, 1-based): chr9:136,514,542-136,514,543, GC replaced by AA on the plus strand (GC replaced by TT on the coding strand, the reverse complement: NOTCH1 is on the minus strand). VCF-style: chr9-136514542-GC-AA. GRCh37 (hg19) VCF-style: chr9-139408994-GC-AA.
Other names: short protein forms C725F.
Identifiers: ClinVar variation 4734502 (VCV004734502.1).